The following is an entry in ClinVar:

ClinVar aggregate classification (germline): Uncertain significance (1 of 4 stars; one submission).

Conditions:
Carnitine palmitoyltransferase II deficiency. Also called: Carnitine Palmitoyltransferase 2 Deficiency. Identifiers: Orphanet 157, MedGen C0342790, MONDO:0015515.

Submission:

Labcorp Genetics (formerly Invitae), Labcorp
Classification: Uncertain significance for Carnitine palmitoyltransferase II deficiency. Last evaluated: 2024-12-15. Review status: criteria provided, single submitter. Criteria: Invitae Variant Classification Sherloc (09022015). Collection method: clinical testing. Allele origin: germline.
Comment: This variant, c.1634_1636del, results in the deletion of 1 amino acid(s) of the CPT2 protein (p.Glu545del), but otherwise preserves the integrity of the reading frame. This variant is not present in population databases (gnomAD no frequency). This variant has been observed in individual(s) with CPT2 deficiency (PMID: 16996287). Experimental studies and prediction algorithms are not available or were not evaluated, and the functional significance of this variant is currently unknown. In summary, the available evidence is currently insufficient to determine the role of this variant in disease. Therefore, it has been classified as a Variant of Uncertain Significance.

Literature cited by the submitters: PubMed 16996287.

NM_000098.3(CPT2):c.1631AAG[1] (p.Glu545del)

Gene: CPT2 (carnitine palmitoyltransferase 2; plus strand). Cytogenetic location: 1p32.3.
Variant type: Microsatellite.
Coding change: c.1631AAG[1] on transcript NM_000098.3 (MANE Select); one copy of the 3-base unit AAG starting at c.1631; the reference has two copies in a row; one copy, 3 bases deleted.
Protein change: p.Glu545del; deletes glutamic acid 545.
Molecular consequence: intron variant (on NM_001330589.2).
Genome position (GRCh38, 1-based): chr1:53,211,308-53,211,310, AAG deleted; deleting any 3 consecutive bases within chr1:53,211,305-53,211,310 gives the same sequence; the position shown is the placement nearest the transcript's 3' end. VCF-style (leftmost placement, unchanged base first): chr1-53211304-AAAG-A. GRCh37 (hg19) VCF-style: chr1-53676976-AAAG-A.
Other names: c.1576+58_1576+60del (NM_001330589.2); short protein forms E545del.
Identifiers: ClinVar variation 3720208 (VCV003720208.2).